The following is an entry in ClinVar:

ClinVar aggregate classification (germline): Uncertain significance (1 of 4 stars; one submission).

Conditions:
Epileptic encephalopathy. Identifiers: MedGen C0543888, HP:0200134.

gnomAD v4.1: 18 of 1,611,574 alleles (0.0011%); highest among the groups gnomAD compares: East Asian, 0.013%; no homozygotes.

Submission:

Labcorp Genetics (formerly Invitae), Labcorp
Classification: Uncertain significance for Epileptic encephalopathy. Last evaluated: 2025-10-02. Review status: criteria provided, single submitter. Criteria: Invitae Variant Classification Sherloc (09022015). Collection method: clinical testing. Allele origin: germline.
Comment: This sequence change replaces aspartic acid, which is acidic and polar, with glutamic acid, which is acidic and polar, at codon 1418 of the FASN protein (p.Asp1418Glu). This variant is present in population databases (rs763488231, gnomAD 0.01%). This variant has not been reported in the literature in individuals affected with FASN-related conditions. ClinVar contains an entry for this variant (Variation ID: 3668808). An algorithm developed to predict the effect of missense changes on protein structure and function outputs the following: PolyPhen-2: "Benign". The glutamic acid amino acid residue is found in multiple mammalian species, which suggests that this missense change does not adversely affect protein function. In summary, the available evidence is currently insufficient to determine the role of this variant in disease. Therefore, it has been classified as a Variant of Uncertain Significance.

NM_004104.5(FASN):c.4254C>G (p.Asp1418Glu)

Gene: FASN (fatty acid synthase; minus strand). Cytogenetic location: 17q25.3.
Variant type: single nucleotide variant.
Coding change: c.4254C>G on transcript NM_004104.5 (MANE Select); coding-DNA position 4254, C replaced by G.
Protein change: p.Asp1418Glu; replaces aspartic acid 1418 with glutamic acid.
Molecular consequence: missense variant.
Genome position (GRCh38, 1-based): chr17:82,085,271, G>C on the plus strand (C>G on the coding strand, the complement: FASN is on the minus strand). VCF-style: chr17-82085271-G-C. GRCh37 (hg19) VCF-style: chr17-80043147-G-C.
Other names: short protein forms D1418E.
Identifiers: ClinVar variation 3668808 (VCV003668808.2).
Genomic context (GRCh38, chr17:82,085,271, plus strand): 5'-GGGCCTGGAGGTGGGGCAGGGCCTGACCTTCAGAGACTCCACCCAGCGGAAGCTGGTATC[G>C]TCCACCGGCAGGAAGATGGGGCTGTCCTGCGGGGTGGGCCGGCGGCACAGGAAGAGCGTG-3'
Protein context (NP_004095.4, residues 1408-1428): PQDSPIFLPV[Asp1418Glu]DTSFRWVESL